The following is an entry in ClinVar:

ClinVar aggregate classification (germline): Benign/Likely benign; other. Review status: criteria provided, multiple submitters, no conflicts (2 of 4 stars). 19 submissions from 19 submitters: Benign (9); Likely benign (5). 4 of the submissions do not count toward it. Last evaluated 2026-02-04.

Conditions:
LPL-related disorder. Also called: LPL-related condition.
Cardiovascular phenotype. Identifiers: MedGen CN230736.
Hyperlipidemia, familial combined, susceptibility to. Identifiers: MedGen C4016424.
Hyperlipidemia, familial combined, LPL related (FCHL3). Also called: Hyperapobetalipoproteinemia. Identifiers: MedGen C0020474, MONDO:0007759, OMIM 144250, HP:0008158.
Hyperlipoproteinemia, type I. Also called: Familial hyperlipo-proteinemia type 1; Hyperlipemia essential familial; Lipoprotein Lipase Deficiency; Hyperlipoproteinemia type 1; Hyperchylomicro-nemia familial; Familial chylomicronemia. Identifiers: Orphanet 309015, Orphanet 444490, MedGen C0023817, MONDO:0009387, OMIM 238600. Disease mechanism: loss of function.

Allele frequency attached by ClinVar (database versions not stated): 1000 Genomes Project 0.01757; 1000 Genomes Project 30x 0.01796; gnomAD 0.01951; TOPMed 0.02455.
gnomAD v4.1: 26,815 of 1,613,866 alleles (1.7%); highest among the groups gnomAD compares: African/African-American, 4.7%; 327 homozygotes.

Submissions (19):

Labcorp Genetics (formerly Invitae), Labcorp
Classification: Benign. Last evaluated: 2026-02-04. Review status: criteria provided, single submitter. Criteria: Invitae Variant Classification Sherloc (09022015). Collection method: clinical testing. Allele origin: germline.

Molecular Diagnostic Laboratory for Inherited Cardiovascular Disease, Montreal Heart Institute
Classification: Likely benign. Last evaluated: 2025-04-09. Review status: criteria provided, single submitter. Criteria: ACMG Guidelines, 2015. Collection method: clinical testing. Allele origin: germline. Affected: no.

Blueprint Genetics
Classification: Likely benign. Last evaluated: 2024-11-26. Review status: criteria provided, single submitter. Criteria: ACMG Guidelines, 2015. Collection method: clinical testing. Allele origin: germline.

Dasa
Classification: Benign. Last evaluated: 2024-01-16. Review status: criteria provided, single submitter. Criteria: DASA Assertion Criteria. Collection method: clinical testing. Allele origin: germline.
Comment: NM_000237.3(LPL):c.106G>A (p.Asp36Asn) is interpreted as benign based on a combination of available evidence, which may include population frequency, observations in unaffected individuals, intact protein function, lack of segregation with disease, in silico models, amino acid conservation, lack of disease association in case-control studies, and/or inconsistency with the known disease mechanism or impacted region. Based on the available data, this variant is classified as benign.

Department of Pathology and Laboratory Medicine, Sinai Health System
Classification: Benign for Hyperlipidemia, familial combined, LPL related; Hyperlipoproteinemia, type I. Last evaluated: 2023-02-06. Review status: criteria provided, single submitter. Criteria: ACMG Guidelines, 2015. Collection method: research. Allele origin: germline.

Mayo Clinic Laboratories, Mayo Clinic
Classification: Benign. Last evaluated: 2023-02-03. Review status: criteria provided, single submitter. Criteria: ACMG Guidelines, 2015. Collection method: clinical testing. Allele origin: germline. Observed: 31 variant alleles.

Women's Health and Genetics/Laboratory Corporation of America, LabCorp
Classification: Likely benign. Last evaluated: 2021-12-10. Review status: criteria provided, single submitter. Criteria: LabCorp Variant Classification Summary - May 2015. Collection method: clinical testing. Allele origin: germline.

Genome-Nilou Lab
Classification: Benign for Hyperlipoproteinemia, type I. Last evaluated: 2021-06-10. Review status: criteria provided, single submitter. Criteria: ACMG Guidelines, 2015. Collection method: clinical testing. Allele origin: germline. Affected: no.

GeneDx
Classification: Benign. Last evaluated: 2019-10-22. Review status: criteria provided, single submitter. Criteria: GeneDx Variant Classification Process June 2021. Collection method: clinical testing. Allele origin: germline. Affected: yes.
Comment: This variant is associated with the following publications: (PMID: 11260209, 8839720, 15049943, 9678774, 28267856, 8872057, 10517255, 8541837, 8199176, 7749858, 26934567, 27055971, 24503134, 24123366, 21146168, 18823627, 12535736, 18922999, 28008009, 10364086)

Mendelics
Classification: Benign for Hyperlipoproteinemia, type I. Last evaluated: 2019-05-28. Review status: criteria provided, single submitter. Criteria: Mendelics Assertion Criteria 2017. Collection method: clinical testing. Allele origin: unknown.

Ambry Genetics
Classification: Benign for Cardiovascular phenotype. Last evaluated: 2019-03-21. Review status: criteria provided, single submitter. Criteria: Ambry Variant Classification Scheme 2023. Collection method: clinical testing. Allele origin: germline.

Eurofins Ntd Llc (ga)
Classification: other. Last evaluated: 2018-06-13. Review status: criteria provided, single submitter. Criteria: EGL ClinVar v180209 classification definitions. Collection method: clinical testing. Allele origin: germline. Observed: 1 variant allele, 1 heterozygote.

Illumina Laboratory Services, Illumina
Classification: Benign for Hyperlipoproteinemia, type I. Last evaluated: 2018-03-06. Review status: criteria provided, single submitter. Criteria: ICSL Variant Classification Criteria 13 December 2019. Collection method: clinical testing. Allele origin: germline.
Comment: This variant was observed in the ICSL laboratory as part of a predisposition screen in an ostensibly healthy population. It had not been previously curated by ICSL or reported in the Human Gene Mutation Database (HGMD: prior to June 1st, 2018), and was therefore a candidate for classification through an automated scoring system. Utilizing variant allele frequency, disease prevalence and penetrance estimates, and inheritance mode, an automated score was calculated to assess if this variant is too frequent to cause the disease. Based on the score and internal cut-off values, a variant classified as benign is not then subjected to further curation. The score for this variant resulted in a classification of benign for this disease.

Laboratory for Molecular Medicine, Mass General Brigham Personalized Medicine
Classification: Likely benign. Last evaluated: 2016-03-28. Review status: criteria provided, single submitter. Criteria: LMM Criteria. Collection method: clinical testing. Allele origin: germline.
Comment: Variant identified in a genome or exome case(s) and assessed due to predicted null impact of the variant or pathogenic assertions in the literature or databases. Disclaimer: This variant has not undergone full assessment. The following are preliminary notes: ExAC frequency, association with hyperlipidemia.

Breakthrough Genomics
Classification: Likely benign. Review status: criteria provided, single submitter. Criteria: ACMG Guidelines, 2015. Collection method: not provided. Allele origin: germline. Inheritance: Autosomal recessive inheritance. Affected: yes.

Natera, Inc.
Classification: Benign for Lipoprotein lipase deficiency. Last evaluated: 2020-01-02. Review status: no assertion criteria provided. Collection method: clinical testing. Allele origin: germline. Not counted in ClinVar's aggregate classification.

PreventionGenetics, part of Exact Sciences
Classification: Benign for LPL-related condition. Last evaluated: 2019-09-25. Review status: no assertion criteria provided. Collection method: clinical testing. Allele origin: germline. Not counted in ClinVar's aggregate classification.
Comment: This variant is classified as benign based on ACMG/AMP sequence variant interpretation guidelines (Richards et al. 2015 PMID: 25741868, with internal and published modifications).

OMIM
Classification: risk factor for COMBINED HYPERLIPIDEMIA, FAMILIAL, SUSCEPTIBILITY TO. Last evaluated: 1999-08-01. Review status: no assertion criteria provided. Collection method: literature only. Allele origin: germline. Not counted in ClinVar's aggregate classification.

Clinical Genetics DNA and cytogenetics Diagnostics Lab, Erasmus MC, Erasmus Medical Center
Classification: Pathogenic. Review status: no assertion criteria provided. Collection method: clinical testing. Allele origin: germline. Affected: yes. Study: VKGL Data-share Consensus. Not counted in ClinVar's aggregate classification.

Literature cited by the submitters: PubMed 8199176 (cited by OMIM); PubMed 8541837 (cited by OMIM); PubMed 8872057 (cited by OMIM); PubMed 10364086 (cited by OMIM); PubMed 10517255 (cited by OMIM).

NM_000237.3(LPL):c.106G>A (p.Asp36Asn)

Gene: LPL (lipoprotein lipase; plus strand). Cytogenetic location: 8p21.3.
Variant type: single nucleotide variant.
Coding change: c.106G>A on transcript NM_000237.3 (MANE Select); coding-DNA position 106, G replaced by A.
Protein change: p.Asp36Asn; replaces aspartic acid 36 with asparagine.
Molecular consequence: missense variant.
Genome position (GRCh38, 1-based): chr8:19,948,197, G>A. VCF-style: chr8-19948197-G-A. GRCh37 (hg19) VCF-style: chr8-19805708-G-A.
Other names: D9N; short protein forms D36N.
Identifiers: ClinVar variation 1552 (VCV000001552.42), dbSNP rs1801177, ClinGen allele CA251889.
Genomic context (GRCh38, chr8:19,948,197, plus strand): 5'-AGCAACCCTCCAGTTAACCTCATATCCAATTTTTCCTTTCCAGAAAGAAGAGATTTTATC[G>A]ACATCGAAAGTAAATTTGCCCTAAGGACCCCTGAAGACACAGCTGAGGACACTTGCCACC-3'
Protein context (NP_000228.1, residues 26-46): AAADQRRDFI[Asp36Asn]IESKFALRTP